The following is an entry in ClinVar:

NM_198282.4(STING1):c.575G>T (p.Gly192Val)

Gene: STING1 (stimulator of interferon response cGAMP interactor 1; minus strand). Cytogenetic location: 5q31.2.
Variant type: single nucleotide variant.
Coding change: c.575G>T on transcript NM_198282.4 (MANE Select); coding-DNA position 575, G replaced by T.
Protein change: p.Gly192Val; replaces glycine 192 with valine.
Molecular consequence: missense variant.
Genome position (GRCh38, 1-based): chr5:139,478,454, C>A on the plus strand (G>T on the coding strand, the complement: STING1 is on the minus strand). VCF-style: chr5-139478454-C-A. GRCh37 (hg19) VCF-style: chr5-138858039-C-A.
Other names: c.575G>T, p.Gly192Val (NM_001301738.2, LRG_1308t1); c.218G>T, p.Gly73Val (NM_001367258.1); c.575G>T (NM_198282.2); short protein forms G192V, G73V.
Identifiers: ClinVar variation 475208 (VCV000475208.59), dbSNP rs201096097, ClinGen allele CA3435365.

ClinVar aggregate classification (germline): Conflicting classifications of pathogenicity. Review status: criteria provided, conflicting classifications (1 of 4 stars). 10 submissions from 10 submitters: Uncertain significance (3); Likely benign (4). 3 of the submissions do not count toward it. Last evaluated 2026-03-01.

Conditions:
Autoinflammatory syndrome. Identifiers: Orphanet 93665, MedGen C3890737, MONDO:0019751.
STING1-related disorder. Also called: STING1-related condition.
Inborn genetic diseases. Identifiers: MedGen C0950123, MeSH D030342.
STING-associated vasculopathy with onset in infancy. Also called: Sting-associated vasculopathy, infantile-onset. Identifiers: Orphanet 425120, MedGen C4014722, MONDO:0014405, OMIM 615934.

Allele frequency attached by ClinVar (database versions not stated): gnomAD 0.00019; TOPMed 0.00021.
gnomAD v4.1: 350 of 1,614,210 alleles (0.022%); highest among the groups gnomAD compares: Middle Eastern, 0.66%; 1 homozygote.

Submissions (10):

CeGaT Center for Human Genetics Tuebingen
Classification: Likely benign. Last evaluated: 2026-03-01. Review status: criteria provided, single submitter. Criteria: CeGaT Center For Human Genetics Tuebingen Variant Classification Criteria Version 2. Collection method: clinical testing. Allele origin: germline. Affected: yes. Observed: 3 variant alleles.
Comment: STING1: BP4, BS2

Women's Health and Genetics/Laboratory Corporation of America, LabCorp
Classification: Likely benign. Last evaluated: 2026-02-17. Review status: criteria provided, single submitter. Criteria: LabCorp Variant Classification Summary - May 2015. Collection method: clinical testing. Allele origin: germline.
Comment: Variant summary: STING1 c.575G>T (p.Gly192Val) results in a non-conservative amino acid change in the encoded protein sequence. Algorithms developed to predict the effect of missense changes on protein structure and function are either unavailable or do not agree on the potential impact of this missense change. The variant allele was found at a frequency of 0.00027 in 251474 control chromosomes in the gnomAD database, including 1 homozygotes. The observed variant frequency exceeds the estimated maximal expected allele frequency for disease-causing variants in STING1. c.575G>T has been observed in individual(s) affected with STING-associated vasculopathy with STING1 related disorders. These report(s) do not provide unequivocal conclusions about association of the variant with STING-associated vasculopathy with onset in infancy. To our knowledge, no experimental evidence demonstrating an impact on protein function has been reported. The following publications have been ascertained in the context of this evaluation (PMID: 35086391, 35482138). ClinVar contains an entry for this variant (Variation ID: 475208). Based on the evidence outlined above, the variant was classified as likely benign.

Labcorp Genetics (formerly Invitae), Labcorp
Classification: Uncertain significance for STING-associated vasculopathy with onset in infancy. Last evaluated: 2025-12-21. Review status: criteria provided, single submitter. Criteria: Invitae Variant Classification Sherloc (09022015). Collection method: clinical testing. Allele origin: germline.
Comment: This sequence change replaces glycine, which is neutral and non-polar, with valine, which is neutral and non-polar, at codon 192 of the TMEM173 protein (p.Gly192Val). This variant is present in population databases (rs201096097, gnomAD 0.06%), including at least one homozygous and/or hemizygous individual. This missense change has been observed in individual(s) with disorders of immunity (PMID: 35086391, 35482138). ClinVar contains an entry for this variant (Variation ID: 475208). An algorithm developed to predict the effect of missense changes on protein structure and function (PolyPhen-2) suggests that this variant is likely to be disruptive. In summary, the available evidence is currently insufficient to determine the role of this variant in disease. Therefore, it has been classified as a Variant of Uncertain Significance.

Ambry Genetics
Classification: Uncertain significance for Inborn genetic diseases. Last evaluated: 2025-06-18. Review status: criteria provided, single submitter. Criteria: Ambry Variant Classification Scheme 2023. Collection method: clinical testing. Allele origin: germline.

Blueprint Genetics
Classification: Likely benign. Last evaluated: 2024-11-26. Review status: criteria provided, single submitter. Criteria: ACMG Guidelines, 2015. Collection method: clinical testing. Allele origin: germline.

Genome Diagnostics Laboratory, The Hospital for Sick Children
Classification: Likely benign for Autoinflammatory syndrome. Last evaluated: 2022-01-31. Review status: criteria provided, single submitter. Criteria: ACMG Guidelines, 2015. Collection method: clinical testing. Allele origin: germline. Affected: yes.

Johns Hopkins Genomics, Johns Hopkins University
Classification: Uncertain significance for STING-associated vasculopathy with onset in infancy. Last evaluated: 2021-03-29. Review status: criteria provided, single submitter. Criteria: ACMG Guidelines, 2015. Collection method: clinical testing. Allele origin: germline.
Comment: STING1 c.575G>T (rs201096097) is rare (<0.1%) in a large population dataset (gnomAD: 73/282854 total alleles; 0.03%; 1 homozygote) and has not been reported in the literature, to our knowledge. There is an entry for this variant in ClinVar (Variation ID: 475208). Of three bioinformatics tools queried, one predicts that the substitution would be possibly damaging, while two predict that it would be tolerated. The glycine at this position is conserved in most mammals, but not in the other species assessed. We consider the clinical significance of c.575G>T to be uncertain at this time.

PreventionGenetics, part of Exact Sciences
Classification: Uncertain significance for STING1-related condition. Last evaluated: 2023-11-01. Review status: no assertion criteria provided. Collection method: clinical testing. Allele origin: germline. Not counted in ClinVar's aggregate classification.
Comment: The STING1 c.575G>T variant is predicted to result in the amino acid substitution p.Gly192Val. To our knowledge, this variant has not been reported in the literature in association with STING1 (TMEM173)-related disease but has been reported in individuals with early-onset systemic lupus erythematosus (Dasdemir et al. 2022. PubMed ID: 35086391), inborn errors of immunity (El Hawary et al. 2022. PubMed ID: 35482138), and autism spectrum disorder (Tuncay et al. 2023. PubMed ID: 37492102). This variant is reported in 0.065% of alleles in individuals of South Asian descent in gnomAD. Although we suspect that this variant may be benign, the clinical significance of this variant is uncertain at this time due to the absence of conclusive functional and genetic evidence.

Clinical Genetics DNA and cytogenetics Diagnostics Lab, Erasmus MC, Erasmus Medical Center
Classification: Likely benign. Review status: no assertion criteria provided. Collection method: clinical testing. Allele origin: germline. Affected: yes. Study: VKGL Data-share Consensus. Not counted in ClinVar's aggregate classification.

Genome Diagnostics Laboratory, University Medical Center Utrecht
Classification: Likely benign. Review status: no assertion criteria provided. Collection method: clinical testing. Allele origin: germline. Affected: yes. Study: VKGL Data-share Consensus. Not counted in ClinVar's aggregate classification.

Literature cited by the submitters: PubMed 35482138 (cited by Women's Health and Genetics/Laboratory Corporation of America, LabCorp and Labcorp Genetics (formerly Invitae), Labcorp); PubMed 35086391 (cited by Women's Health and Genetics/Laboratory Corporation of America, LabCorp and Labcorp Genetics (formerly Invitae), Labcorp).